The following is an entry in ClinVar:

ClinVar aggregate classification (germline): Uncertain significance (1 of 4 stars; one submission).

Conditions:
Pontocerebellar hypoplasia type 9. Identifiers: Orphanet 369920, MedGen C4014354, MONDO:0014351, OMIM 615809.
Hereditary spastic paraplegia 63. Also called: Spastic paraplegia 63, autosomal recessive. Identifiers: Orphanet 401805, MedGen C3810295, MONDO:0014305, OMIM 615686.

Allele frequency attached by ClinVar (database versions not stated): TOPMed below 0.00001.

Submission:

Labcorp Genetics (formerly Invitae), Labcorp
Classification: Uncertain significance for Pontocerebellar hypoplasia type 9; Hereditary spastic paraplegia 63. Last evaluated: 2021-02-25. Review status: criteria provided, single submitter. Criteria: Invitae Variant Classification Sherloc (09022015). Collection method: clinical testing. Allele origin: germline.
Comment: This sequence change replaces arginine with glycine at codon 831 of the AMPD2 protein (p.Arg831Gly). The arginine residue is moderately conserved and there is a moderate physicochemical difference between arginine and glycine. This variant is not present in population databases (ExAC no frequency). This variant has not been reported in the literature in individuals with AMPD2-related conditions. Algorithms developed to predict the effect of missense changes on protein structure and function are either unavailable or do not agree on the potential impact of this missense change (SIFT: "Tolerated"; PolyPhen-2: "Possibly Damaging"; Align-GVGD: "Class C0"). In summary, the available evidence is currently insufficient to determine the role of this variant in disease. Therefore, it has been classified as a Variant of Uncertain Significance.

NM_001368809.2(AMPD2):c.2329C>G (p.Arg777Gly)

Gene: AMPD2 (adenosine monophosphate deaminase 2; plus strand). Cytogenetic location: 1p13.3.
Variant type: single nucleotide variant.
Coding change: c.2329C>G on transcript NM_001368809.2 (MANE Select); coding-DNA position 2329, C replaced by G.
Protein change: p.Arg777Gly; replaces arginine 777 with glycine.
Molecular consequence: missense variant.
Genome position (GRCh38, 1-based): chr1:109,631,003, C>G. VCF-style: chr1-109631003-C-G. GRCh37 (hg19) VCF-style: chr1-110173625-C-G.
Other names: c.2137C>G, p.Arg713Gly (NM_001257361.2); c.2266C>G, p.Arg756Gly (NM_001308170.1); c.2329C>G, p.Arg777Gly (NM_004037.9); c.2248C>G, p.Arg750Gly (NM_139156.4); short protein forms R756G, R713G, R777G, R750G.
Identifiers: ClinVar variation 1489407 (VCV001489407.8), dbSNP rs1651209949, ClinGen allele CA341563401.